The following is an entry in ClinVar:

ClinVar aggregate classification (germline): Uncertain significance (1 of 4 stars; one submission).

Submission:

GeneDx
Classification: Uncertain significance. Last evaluated: 2023-04-03. Review status: criteria provided, single submitter. Criteria: GeneDx Variant Classification Process June 2021. Collection method: clinical testing. Allele origin: germline. Affected: yes.
Comment: Not observed at significant frequency in large population cohorts (gnomAD); In silico analysis supports that this missense variant does not alter protein structure/function; Has not been previously published as pathogenic or benign to our knowledge

NM_177438.3(DICER1):c.3563G>T (p.Ser1188Ile)

Gene: DICER1 (dicer 1, ribonuclease III; minus strand). Cytogenetic location: 14q32.13.
Variant type: single nucleotide variant.
Coding change: c.3563G>T on transcript NM_177438.3 (MANE Select); coding-DNA position 3563, G replaced by T.
Protein change: p.Ser1188Ile; replaces serine 1188 with isoleucine.
Molecular consequence: missense variant. On other transcripts: non-coding transcript variant (6).
Genome position (GRCh38, 1-based): chr14:95,103,833, C>A on the plus strand (G>T on the coding strand, the complement: DICER1 is on the minus strand). VCF-style: chr14-95103833-C-A. GRCh37 (hg19) VCF-style: chr14-95570170-C-A.
Other names: c.3563G>T, p.Ser1188Ile (NM_001195573.1, NM_001271282.3, NM_001291628.2 and 13 more transcripts); c.3281G>T, p.Ser1094Ile (NM_001395686.1); c.3158G>T, p.Ser1053Ile (NM_001395687.1, NM_001395688.1, NM_001395689.1 and 2 more transcripts); c.2996G>T, p.Ser999Ile (NM_001395691.1); c.1880G>T, p.Ser627Ile (NM_001395697.1); short protein forms S1053I, S1094I, S1188I, S627I, S999I.
Identifiers: ClinVar variation 2663515 (VCV002663515.1), dbSNP rs1891141369, ClinGen allele CA390874913.